The following is an entry in ClinVar:

NM_014319.5(LEMD3):c.676G>A (p.Asp226Asn)

Gene: LEMD3 (LEM domain containing 3; plus strand). Cytogenetic location: 12q14.3.
Variant type: single nucleotide variant.
Coding change: c.676G>A on transcript NM_014319.5 (MANE Select); coding-DNA position 676, G replaced by A.
Protein change: p.Asp226Asn; replaces aspartic acid 226 with asparagine.
Molecular consequence: missense variant.
Genome position (GRCh38, 1-based): chr12:65,170,272, G>A. VCF-style: chr12-65170272-G-A. GRCh37 (hg19) VCF-style: chr12-65564052-G-A.
Other names: c.676G>A, p.Asp226Asn (NM_001167614.2); short protein forms D226N.
Identifiers: ClinVar variation 3614324 (VCV003614324.2).

ClinVar aggregate classification (germline): Uncertain significance (1 of 4 stars; one submission).

gnomAD v4.1: 3 of 1,567,232 alleles (0.00019%); highest among the groups gnomAD compares: Middle Eastern, 0.017%; no homozygotes.

Submission:

Labcorp Genetics (formerly Invitae), Labcorp
Classification: Uncertain significance. Last evaluated: 2024-03-25. Review status: criteria provided, single submitter. Criteria: Invitae Variant Classification Sherloc (09022015). Collection method: clinical testing. Allele origin: germline.
Comment: This sequence change replaces aspartic acid, which is acidic and polar, with asparagine, which is neutral and polar, at codon 226 of the LEMD3 protein (p.Asp226Asn). The frequency data for this variant in the population databases is considered unreliable, as metrics indicate poor data quality at this position in the gnomAD database. This variant has not been reported in the literature in individuals affected with LEMD3-related conditions. Advanced modeling of protein sequence and biophysical properties (such as structural, functional, and spatial information, amino acid conservation, physicochemical variation, residue mobility, and thermodynamic stability) performed at Invitae indicates that this missense variant is not expected to disrupt LEMD3 protein function with a negative predictive value of 80%. In summary, the available evidence is currently insufficient to determine the role of this variant in disease. Therefore, it has been classified as a Variant of Uncertain Significance.